The following is an entry in ClinVar:

NM_002386.4(MC1R):c.487C>T (p.Arg163Ter)

Gene: MC1R (melanocortin 1 receptor; plus strand). Cytogenetic location: 16q24.3.
Variant type: single nucleotide variant.
Coding change: c.487C>T on transcript NM_002386.4 (MANE Select); coding-DNA position 487, C replaced by T.
Protein change: p.Arg163Ter; replaces arginine 163 with a stop codon.
Molecular consequence: nonsense.
Genome position (GRCh38, 1-based): chr16:89,919,745, C>T. VCF-style: chr16-89919745-C-T. GRCh37 (hg19) VCF-style: chr16-89986153-C-T.
Other names: short protein forms R163*.
Identifiers: ClinVar variation 860174 (VCV000860174.10), dbSNP rs771897011, ClinGen allele CA8255618.
Genomic context (GRCh38, chr16:89,919,745, plus strand): 5'-TACATCTCCATCTTCTACGCACTGCGCTACCACAGCATCGTGACCCTGCCGCGGGCGCGG[C>T]GAGCCGTTGCGGCCATCTGGGTGGCCAGTGTCGTCTTCAGCACGCTCTTCATCGCCTACT-3'

ClinVar aggregate classification (germline): Uncertain significance. Review status: criteria provided, multiple submitters, no conflicts (2 of 4 stars). 2 submissions from 2 submitters: Uncertain significance (2). Last evaluated 2025-12-10.

Conditions:
Melanoma, cutaneous malignant, susceptibility to, 5. Also called: Cutaneous malignant melanoma 5. Identifiers: Orphanet 618, MedGen C2751295, MONDO:0013133, OMIM 613099.

Allele frequency attached by ClinVar (database versions not stated): gnomAD 0.00001; gnomAD exomes 0.00002; TOPMed 0.00002.

Submissions (2):

Labcorp Genetics (formerly Invitae), Labcorp
Classification: Uncertain significance for Melanoma, cutaneous malignant, susceptibility to, 5. Last evaluated: 2025-12-10. Review status: criteria provided, single submitter. Criteria: Invitae Variant Classification Sherloc (09022015). Collection method: clinical testing. Allele origin: germline.
Comment: This sequence change creates a premature translational stop signal (p.Arg163*) in the MC1R gene. While this is not anticipated to result in nonsense mediated decay, it is expected to disrupt the last 155 amino acid(s) of the MC1R protein. This variant is present in population databases (rs771897011, gnomAD 0.005%). This premature translational stop signal has been observed in individual(s) with melanoma (PMID: 16982779). ClinVar contains an entry for this variant (Variation ID: 860174). Experimental studies and prediction algorithms are not available or were not evaluated, and the functional significance of this variant is currently unknown. In summary, the available evidence is currently insufficient to determine the role of this variant in disease. Therefore, it has been classified as a Variant of Uncertain Significance.

Blueprint Genetics
Classification: Uncertain significance. Last evaluated: 2024-01-02. Review status: criteria provided, single submitter. Criteria: ACMG Guidelines, 2015. Collection method: clinical testing. Allele origin: germline.

Literature cited by the submitters: PubMed 16982779 (cited by Labcorp Genetics (formerly Invitae), Labcorp).